The following is an entry in ClinVar:

NM_000535.7(PMS2):c.341T>A (p.Leu114His)

Gene: PMS2 (PMS1 homolog 2, mismatch repair system component; minus strand). Cytogenetic location: 7p22.1.
Variant type: single nucleotide variant.
Coding change: c.341T>A on transcript NM_000535.7 (MANE Select); coding-DNA position 341, T replaced by A.
Protein change: p.Leu114His; replaces leucine 114 with histidine.
Molecular consequence: missense variant. On other transcripts: 5 prime UTR variant (25), non-coding transcript variant (1), intron variant (21).
Genome position (GRCh38, 1-based): chr7:6,003,702, A>T on the plus strand (T>A on the coding strand, the complement: PMS2 is on the minus strand). VCF-style: chr7-6003702-A-T. GRCh37 (hg19) VCF-style: chr7-6043333-A-T.
Other names: c.341T>A, p.Leu114His (NM_001322014.2, NM_001406869.1, NM_001406870.1 and 8 more transcripts); c.-144T>A (NM_001322015.2, NM_001406875.1, NM_001406877.1 and 3 more transcripts); c.527T>A, p.Leu176His (NM_001406866.1); c.365T>A, p.Leu122His (NM_001406868.1); c.-65T>A (NM_001322003.2, NM_001322004.2, NM_001322005.2 and 13 more transcripts); c.-544T>A (NM_001322011.2, NM_001322012.2); c.-55T>A (NM_001406890.1); c.35+270T>A (NM_001322008.2, NM_001406902.1, NM_001406883.1 and 4 more transcripts); and 5 more; short protein forms L122H, L114H, L176H.
Identifiers: ClinVar variation 3935139 (VCV003935139.1).

ClinVar aggregate classification (germline): Uncertain significance (1 of 4 stars; one submission).

Conditions:
Hereditary cancer-predisposing syndrome. Also called: Tumor predisposition; Hereditary neoplastic syndrome; Hereditary Cancer Syndrome; Neoplastic Syndromes, Hereditary. Identifiers: Orphanet 140162, MedGen C0027672, MeSH D009386, MONDO:0015356.

Submission:

Ambry Genetics
Classification: Uncertain significance for Hereditary cancer-predisposing syndrome. Last evaluated: 2025-05-06. Review status: criteria provided, single submitter. Criteria: Ambry Variant Classification Scheme 2023. Collection method: clinical testing. Allele origin: germline.
Comment: The p.L114H variant (also known as c.341T>A), located in coding exon 4 of the PMS2 gene, results from a T to A substitution at nucleotide position 341. The leucine at codon 114 is replaced by histidine, an amino acid with similar properties. This amino acid position is conserved. In addition, this alteration is predicted to be deleterious by in silico analysis. Based on the available evidence, the clinical significance of this variant remains unclear.